The following is an entry in ClinVar:

NM_022552.5(DNMT3A):c.1374del (p.Lys459fs)

Gene: DNMT3A (DNA methyltransferase 3 alpha; minus strand). Cytogenetic location: 2p23.3.
Variant type: Deletion.
Coding change: c.1374del on transcript NM_022552.5 (MANE Select); coding-DNA position 1374, one base deleted (G; older notation c.1374delG).
Protein change: p.Lys459fs; shifts the reading frame from lysine 459.
Molecular consequence: frameshift variant. On other transcripts: non-coding transcript variant (1).
Genome position (GRCh38, 1-based): chr2:25,246,215, C deleted on the plus strand (G on the coding strand, the reverse complement: DNMT3A is on the minus strand); the first of 2 consecutive C bases (chr2:25,246,215-25,246,216); deleting either gives the same sequence. VCF-style (leftmost placement, unchanged base first): chr2-25246214-TC-T. GRCh37 (hg19) VCF-style: chr2-25469083-TC-T.
Other names: c.1374delG (NM_175629.2); c.918del, p.Lys307fs (NM_001320893.1); c.705del, p.Lys236fs (NM_001375819.1); c.807del, p.Lys270fs (NM_153759.3); c.1374del, p.Lys459fs (NM_175629.2); short protein forms K307fs, K270fs, K459fs, K236fs.
Identifiers: ClinVar variation 280432 (VCV000280432.2), dbSNP rs886041641, ClinGen allele CA10602854.
Genomic context (GRCh38, chr2:25,246,214, plus strand): 5'-AACTACCTCTTGTGCGCTCATCAATAATCTCCTTGACCTTGGGCTTCTCCGCTGTGCTCT[TC>T]CGGGGCTTTTTGGCTGGTGGAGGTGGTGCGTAGGCAGCTGCCTCAGGTTCCACCCACATG-3'

ClinVar aggregate classification (germline): Pathogenic (1 of 4 stars; one submission).

Submission:

GeneDx
Classification: Pathogenic. Last evaluated: 2016-03-10. Review status: criteria provided, single submitter. Criteria: GeneDx Variant Classification (06012015). Collection method: clinical testing. Allele origin: germline. Affected: yes.
Comment: The c.1374delG variant in the DNMT3A gene has not been reported previously as a pathogenic variant nor as a benign variant, to our knowledge. The c.1374delG variant causes a frameshift starting with codon Lysine 459, changes this amino acid to an Arginine residue, and creates a premature Stop codon at position 129 of the new reading frame, denoted p.Lys459ArgfsX192. This variant is predicted to cause loss of normal protein function either through protein truncation or nonsense-mediated mRNA decay. The c.1374delG variant was not observed in approximately 6500 individuals of European and African American ancestry in the NHLBI Exome Sequencing Project, indicating it is not a common benign variant in these populations. We interpret c.1374delG as a pathogenic variant